The following is an entry in ClinVar:

NM_020987.5(ANK3):c.7646G>C (p.Ser2549Thr)

Gene: ANK3 (ankyrin 3; minus strand). Cytogenetic location: 10q21.2.
Variant type: single nucleotide variant.
Coding change: c.7646G>C on transcript NM_020987.5 (MANE Select); coding-DNA position 7646, G replaced by C.
Protein change: p.Ser2549Thr; replaces serine 2549 with threonine.
Molecular consequence: missense variant. On other transcripts: intron variant (4).
Genome position (GRCh38, 1-based): chr10:60,073,235, C>G on the plus strand (G>C on the coding strand, the complement: ANK3 is on the minus strand). VCF-style: chr10-60073235-C-G. GRCh37 (hg19) VCF-style: chr10-61832993-C-G.
Other names: c.7646G>C (NM_020987.3); c.4388-5226G>C (NM_001204403.2); c.4409-5226G>C (NM_001204404.2); c.4406-5226G>C (NM_001320874.2); c.1808-5226G>C (NM_001149.4); short protein forms S2549T.
Identifiers: ClinVar variation 1968300 (VCV001968300.6), dbSNP rs766194973, ClinGen allele CA207325591.
Genomic context (GRCh38, chr10:60,073,235, plus strand): 5'-TCTCTACCTCTGTCTAATCTGTCCTCAGTAAAGCGCATCCACATGGCATGTTTTGGACTA[C>G]TAACATTGCCAGAATAGTGCAACACTGTCACTTTATCAAAATGCTCATCTTTAGACACTT-3'
Protein context (NP_066267.2, residues 2539-2559): VTVLHYSGNV[Ser2549Thr]SPKHAMWMRF

ClinVar aggregate classification (germline): Uncertain significance. Review status: criteria provided, multiple submitters, no conflicts (2 of 4 stars). 2 submissions from 2 submitters: Uncertain significance (2). Last evaluated 2024-10-20.

Conditions:
Inborn genetic diseases. Identifiers: MedGen C0950123, MeSH D030342.

Allele frequency attached by ClinVar (database versions not stated): gnomAD 0.00005.
gnomAD v4.1: 15 of 1,614,034 alleles (0.00093%); highest among the groups gnomAD compares: Admixed American, 0.025%; no homozygotes.

Submissions (2):

Ambry Genetics
Classification: Uncertain significance for Inborn genetic diseases. Last evaluated: 2024-10-20. Review status: criteria provided, single submitter. Criteria: Ambry Variant Classification Scheme 2023. Collection method: clinical testing. Allele origin: germline.

Labcorp Genetics (formerly Invitae), Labcorp
Classification: Uncertain significance. Last evaluated: 2024-01-17. Review status: criteria provided, single submitter. Criteria: Invitae Variant Classification Sherloc (09022015). Collection method: clinical testing. Allele origin: germline.
Comment: This sequence change replaces serine, which is neutral and polar, with threonine, which is neutral and polar, at codon 2549 of the ANK3 protein (p.Ser2549Thr). This variant is present in population databases (no rsID available, gnomAD 0.01%). This variant has not been reported in the literature in individuals affected with ANK3-related conditions. ClinVar contains an entry for this variant (Variation ID: 1968300). Advanced modeling of protein sequence and biophysical properties (such as structural, functional, and spatial information, amino acid conservation, physicochemical variation, residue mobility, and thermodynamic stability) performed at Invitae indicates that this missense variant is not expected to disrupt ANK3 protein function with a negative predictive value of 80%. In summary, the available evidence is currently insufficient to determine the role of this variant in disease. Therefore, it has been classified as a Variant of Uncertain Significance.